The following is an entry in ClinVar:

NM_006096.4(NDRG1):c.891+283G>A

Gene: NDRG1 (N-myc downstream regulated 1; minus strand). Cytogenetic location: 8q24.22.
Variant type: single nucleotide variant.
Coding change: c.891+283G>A on transcript NM_006096.4 (MANE Select); 283 bases into the intron after coding-DNA position 891, G replaced by A.
Molecular consequence: intron variant.
Genome position (GRCh38, 1-based): chr8:133,244,072, C>T on the plus strand (G>A on the coding strand, the complement: NDRG1 is on the minus strand). VCF-style: chr8-133244072-C-T. GRCh37 (hg19) VCF-style: chr8-134256315-C-T.
Other names: c.693+283G>A (NM_001258432.2, NM_001374847.1); c.648+283G>A (NM_001258433.2); c.942+283G>A (NM_001374844.1); c.891+283G>A (NM_001135242.2, NM_001374845.1, NM_001374846.1).
Identifiers: ClinVar variation 673430 (VCV000673430.2), dbSNP rs148462369, ClinGen allele CA186366612.

ClinVar aggregate classification (germline): Likely benign. Review status: criteria provided, multiple submitters, no conflicts (2 of 4 stars). 2 submissions from 2 submitters: Likely benign (2). Last evaluated 2018-06-16.

Allele frequency attached by ClinVar (database versions not stated): 1000 Genomes Project 30x 0.00515; 1000 Genomes Project 0.00539; gnomAD 0.00793 and 0.00798; TOPMed 0.00864.
gnomAD v4.1: 1,219 of 152,280 alleles (0.8%); highest among the groups gnomAD compares: Non-Finnish European, 1.3%; 10 homozygotes.

Submissions (2):

GeneDx
Classification: Likely benign. Last evaluated: 2018-06-16. Review status: criteria provided, single submitter. Criteria: GeneDx Variant Classification (06012015). Collection method: clinical testing. Allele origin: germline. Affected: yes.
Comment: This variant is considered likely benign or benign based on one or more of the following criteria: it is a conservative change, it occurs at a poorly conserved position in the protein, it is predicted to be benign by multiple in silico algorithms, and/or has population frequency not consistent with disease.

Breakthrough Genomics
Classification: Likely benign. Review status: criteria provided, single submitter. Criteria: ACMG Guidelines, 2015. Collection method: not provided. Allele origin: germline. Inheritance: Autosomal recessive inheritance. Affected: yes.